The following is an entry in ClinVar:

NM_003801.4(GPAA1):c.1105G>A (p.Val369Ile)

Gene: GPAA1 (glycosylphosphatidylinositol anchor attachment 1; plus strand). Cytogenetic location: 8q24.3.
Variant type: single nucleotide variant.
Coding change: c.1105G>A on transcript NM_003801.4 (MANE Select); coding-DNA position 1105, G replaced by A.
Protein change: p.Val369Ile; replaces valine 369 with isoleucine.
Molecular consequence: missense variant.
Genome position (GRCh38, 1-based): chr8:144,084,816, G>A. VCF-style: chr8-144084816-G-A. GRCh37 (hg19) VCF-style: chr8-145139719-G-A.
Other names: short protein forms V369I.
Identifiers: ClinVar variation 2069833 (VCV002069833.3), dbSNP rs782071884, ClinGen allele CA4933044.

ClinVar aggregate classification (germline): Uncertain significance. Review status: criteria provided, multiple submitters, no conflicts (2 of 4 stars). 2 submissions from 2 submitters: Uncertain significance (2). Last evaluated 2024-10-22.

Conditions:
Inborn genetic diseases. Identifiers: MedGen C0950123, MeSH D030342.

Allele frequency attached by ClinVar (database versions not stated): ExAC 0.00002; gnomAD exomes 0.00004; gnomAD 0.00005; TOPMed 0.00006.

Submissions (2):

Labcorp Genetics (formerly Invitae), Labcorp
Classification: Uncertain significance. Last evaluated: 2024-10-22. Review status: criteria provided, single submitter. Criteria: Invitae Variant Classification Sherloc (09022015). Collection method: clinical testing. Allele origin: germline.
Comment: This sequence change replaces valine, which is neutral and non-polar, with isoleucine, which is neutral and non-polar, at codon 369 of the GPAA1 protein (p.Val369Ile). This variant is present in population databases (rs782071884, gnomAD 0.01%). This variant has not been reported in the literature in individuals affected with GPAA1-related conditions. ClinVar contains an entry for this variant (Variation ID: 2069833). Invitae Evidence Modeling of protein sequence and biophysical properties (such as structural, functional, and spatial information, amino acid conservation, physicochemical variation, residue mobility, and thermodynamic stability) indicates that this missense variant is not expected to disrupt GPAA1 protein function with a negative predictive value of 80%. In summary, the available evidence is currently insufficient to determine the role of this variant in disease. Therefore, it has been classified as a Variant of Uncertain Significance.

Ambry Genetics
Classification: Uncertain significance for Inborn genetic diseases. Last evaluated: 2021-11-05. Review status: criteria provided, single submitter. Criteria: Ambry Variant Classification Scheme 2023. Collection method: clinical testing. Allele origin: germline.